The following is an entry in ClinVar:

NM_001042492.3(NF1):c.8223G>A (p.Thr2741=)

Gene: NF1 (neurofibromin 1; plus strand). Cytogenetic location: 17q11.2.
Variant type: single nucleotide variant.
Coding change: c.8223G>A on transcript NM_001042492.3 (MANE Select); coding-DNA position 8223, G replaced by A.
Protein change: p.Thr2741=; no amino-acid change (threonine 2741 retained).
Molecular consequence: synonymous variant.
Genome position (GRCh38, 1-based): chr17:31,360,549, G>A. VCF-style: chr17-31360549-G-A. GRCh37 (hg19) VCF-style: chr17-29687567-G-A.
Other names: c.8160G>A, p.Thr2720= (NM_000267.4).
Identifiers: ClinVar variation 412984 (VCV000412984.19), dbSNP rs777755159, ClinGen allele CA8487778.
Genomic context (GRCh38, chr17:31,360,549, plus strand): 5'-AACACAAATTCCAGACTATGCTGAGCTTATTGTTAAGTTTCTTGATGCCTTGATTGACAC[G>A]TACCTGCCTGGAATTGATGAAGAAACCAGTGAAGAATCCCTCCTGACTCCCACATCTCCT-3'
Protein context (NP_001035957.1, residues 2731-2751): IVKFLDALID[Thr2741=]YLPGIDEETS

ClinVar aggregate classification (germline): Benign/Likely benign. Review status: criteria provided, multiple submitters, no conflicts (2 of 4 stars). 6 submissions from 5 submitters: Benign (1); Likely benign (5). Last evaluated 2026-05-22.

Conditions:
Hereditary cancer-predisposing syndrome. Also called: Hereditary Cancer Syndrome; Neoplastic Syndromes, Hereditary; Hereditary neoplastic syndrome; Tumor predisposition. Identifiers: Orphanet 140162, MedGen C0027672, MeSH D009386, MONDO:0015356.
Neurofibromatosis, type 1 (NF1). Also called: VON RECKLINGHAUSEN DISEASE; NEUROFIBROMATOSIS, TYPE I, SOMATIC; Neurofibromatosis, type I; Peripheral type neurofibromatosis. Identifiers: Orphanet 636, MedGen C0027831, MONDO:0018975, OMIM 162200. Disease mechanism: loss of function.
Cardiovascular phenotype. Identifiers: MedGen CN230736.

gnomAD v4.1: 10 of 1,613,850 alleles (0.00062%); highest among the groups gnomAD compares: Admixed American, 0.0017%; no homozygotes.

Submissions (6):

Myriad Genetics, Inc.
Classification: Benign for Neurofibromatosis, type 1. Last evaluated: 2026-05-22. Review status: criteria provided, single submitter. Criteria: Myriad Autosomal Dominant, Autosomal Recessive and X-Linked Classification Criteria (2023). Collection method: clinical testing. Allele origin: unknown.
Comment: This variant is considered benign. This variant is a silent/synonymous amino acid change and it is not expected to impact splicing.

Labcorp Genetics (formerly Invitae), Labcorp
Classification: Likely benign for Neurofibromatosis, type 1. Last evaluated: 2026-01-19. Review status: criteria provided, single submitter. Criteria: Invitae Variant Classification Sherloc (09022015). Collection method: clinical testing. Allele origin: germline.

Women's Health and Genetics/Laboratory Corporation of America, LabCorp
Classification: Likely benign. Last evaluated: 2025-04-07. Review status: criteria provided, single submitter. Criteria: LabCorp Variant Classification Summary - May 2015. Collection method: clinical testing. Allele origin: germline.

Genome-Nilou Lab
Classification: Likely benign for Neurofibromatosis, type 1. Last evaluated: 2022-03-15. Review status: criteria provided, single submitter. Criteria: ACMG Guidelines, 2015. Collection method: clinical testing. Allele origin: germline. Affected: no.

Ambry Genetics
Classification: Likely benign for Hereditary cancer-predisposing syndrome. Last evaluated: 2016-12-08. Review status: criteria provided, single submitter. Criteria: Ambry Autosomal Dominant and X-Linked criteria (10/2015). Collection method: clinical testing. Allele origin: germline. Observed: 1 variant allele.
Comment: In silico models in agreement (benign);Synonymous alterations with insufficient evidence to classify as benign

Ambry Genetics
Classification: Likely benign for Cardiovascular phenotype; Hereditary cancer-predisposing syndrome. Last evaluated: 2016-05-17. Review status: criteria provided, single submitter. Criteria: Ambry Variant Classification Scheme 2023. Collection method: clinical testing. Allele origin: germline.

Literature cited by the submitters: PubMed 10678181 (cited by Women's Health and Genetics/Laboratory Corporation of America, LabCorp); PubMed 23460398 (cited by Women's Health and Genetics/Laboratory Corporation of America, LabCorp); PubMed 29872168 (cited by Women's Health and Genetics/Laboratory Corporation of America, LabCorp).